The following is an entry in ClinVar:

NM_014516.4(CNOT3):c.1183_1190del (p.Pro395fs)

Gene: CNOT3 (CCR4-NOT transcription complex subunit 3; plus strand). Cytogenetic location: 19q13.42.
Variant type: Deletion.
Coding change: c.1183_1190del on transcript NM_014516.4 (MANE Select); coding-DNA positions 1183 to 1190, 8 bases deleted (CCTAGCGG; older notation c.1183_1190delCCTAGCGG).
Protein change: p.Pro395fs; shifts the reading frame from proline 395.
Molecular consequence: frameshift variant.
Genome position (GRCh38, 1-based): chr19:54,148,436-54,148,443, CCTAGCGG deleted; deleting any 8 consecutive bases within chr19:54,148,435-54,148,443 gives the same sequence; the c. name uses the placement nearest the transcript's 3' end. VCF-style (leftmost placement, unchanged base first): chr19-54148434-AGCCTAGCG-A. GRCh37 (hg19) VCF-style: chr19-54652169-AGCCTAGCG-A.
Other names: short protein forms P395fs.
Identifiers: ClinVar variation 1687370 (VCV001687370.1), dbSNP rs2146646096, ClinGen allele CA2573156730.

ClinVar aggregate classification (germline): Likely pathogenic (1 of 4 stars; one submission).

Conditions:
Intellectual developmental disorder with speech delay, autism, and dysmorphic facies. Identifiers: MedGen C5231456, MONDO:0032864, OMIM 618672.

Submission:

3billion
Classification: Likely pathogenic for Intellectual developmental disorder with speech delay, autism, and dysmorphic facies. Last evaluated: 2022-05-22. Review status: criteria provided, single submitter. Criteria: ACMG Guidelines, 2015. Collection method: clinical testing. Allele origin: germline. Affected: yes. Observed: 1 heterozygote.
Comment: The variant is not observed in the gnomAD v2.1.1 dataset. Frameshift: predicted to result in a loss or disruption of normal protein function through nonsense-mediated decay (NMD) or protein truncation. Multiple pathogenic variants are reported downstream of the variant. Therefore, this variant is classified as likely pathogenic according to the recommendation of ACMG/AMP guideline.